The following is an entry in ClinVar:

NM_001256007.3(PNPLA8):c.560G>A (p.Arg187His)

Gene: PNPLA8 (patatin like domain 8, phospholipase A2; minus strand). Cytogenetic location: 7q31.1.
Variant type: single nucleotide variant.
Coding change: c.560G>A on transcript NM_001256007.3 (MANE Select); coding-DNA position 560, G replaced by A.
Protein change: p.Arg187His; replaces arginine 187 with histidine.
Molecular consequence: missense variant.
Genome position (GRCh38, 1-based): chr7:108,514,932, C>T on the plus strand (G>A on the coding strand, the complement: PNPLA8 is on the minus strand). VCF-style: chr7-108514932-C-T. GRCh37 (hg19) VCF-style: chr7-108155376-C-T.
Other names: c.560G>A, p.Arg187His (NM_001256008.3, NM_001256009.3, NM_015723.5); c.260G>A, p.Arg87His (NM_001256010.3, NM_001256011.3); c.560G>A (NM_015723.2); short protein forms R87H, R187H.
Identifiers: ClinVar variation 1443037 (VCV001443037.6), dbSNP rs780391824, ClinGen allele CA4439799.

ClinVar aggregate classification (germline): Uncertain significance. Review status: criteria provided, multiple submitters, no conflicts (2 of 4 stars). 2 submissions from 2 submitters: Uncertain significance (2). Last evaluated 2024-12-17.

Conditions:
Inborn genetic diseases. Identifiers: MedGen C0950123, MeSH D030342.

Allele frequency attached by ClinVar (database versions not stated): ExAC 0.00003; gnomAD 0.00003; gnomAD exomes 0.00004; TOPMed 0.00004.
gnomAD v4.1: 64 of 1,608,912 alleles (0.004%); highest among the groups gnomAD compares: African/African-American, 0.0081%; no homozygotes.

Submissions (2):

Labcorp Genetics (formerly Invitae), Labcorp
Classification: Uncertain significance. Last evaluated: 2024-12-17. Review status: criteria provided, single submitter. Criteria: Invitae Variant Classification Sherloc (09022015). Collection method: clinical testing. Allele origin: germline.
Comment: This sequence change replaces arginine, which is basic and polar, with histidine, which is basic and polar, at codon 187 of the PNPLA8 protein (p.Arg187His). This variant is present in population databases (rs780391824, gnomAD 0.007%). This variant has not been reported in the literature in individuals affected with PNPLA8-related conditions. ClinVar contains an entry for this variant (Variation ID: 1443037). An algorithm developed to predict the effect of missense changes on protein structure and function outputs the following: PolyPhen-2: "Benign". The histidine amino acid residue is found in multiple mammalian species, which suggests that this missense change does not adversely affect protein function. In summary, the available evidence is currently insufficient to determine the role of this variant in disease. Therefore, it has been classified as a Variant of Uncertain Significance.

Ambry Genetics
Classification: Uncertain significance for Inborn genetic diseases. Last evaluated: 2024-02-27. Review status: criteria provided, single submitter. Criteria: Ambry Variant Classification Scheme 2023. Collection method: clinical testing. Allele origin: germline.